The following is an entry in ClinVar:

NM_001040142.2(SCN2A):c.5018T>C (p.Ile1673Thr)

Gene: SCN2A (sodium voltage-gated channel alpha subunit 2; plus strand). Cytogenetic location: 2q24.3.
Variant type: single nucleotide variant.
Coding change: c.5018T>C on transcript NM_001040142.2 (MANE Select); coding-DNA position 5018, T replaced by C.
Protein change: p.Ile1673Thr; replaces isoleucine 1673 with threonine.
Molecular consequence: missense variant.
Genome position (GRCh38, 1-based): chr2:165,388,824, T>C. VCF-style: chr2-165388824-T-C. GRCh37 (hg19) VCF-style: chr2-166245334-T-C.
Other names: c.5018T>C, p.Ile1673Thr (NM_001040143.2, NM_001371246.1, NM_001371247.1 and 1 more transcripts); short protein forms I1673T.
Identifiers: ClinVar variation 2098181 (VCV002098181.4), dbSNP rs2468158032, ClinGen allele CA349038006.

ClinVar aggregate classification (germline): Pathogenic (1 of 4 stars; one submission).

Conditions:
Developmental and epileptic encephalopathy, 11 (DEE11). Also called: Early infantile epileptic encephalopathy 11. Identifiers: Orphanet 1934, MedGen C3150987, MONDO:0013388, OMIM 613721.
Seizures, benign familial infantile, 3 (BFIS3). Also called: CONVULSIONS, BENIGN FAMILIAL INFANTILE, 3; Familial neonatal seizures. Identifiers: Orphanet 140927, Orphanet 306, MedGen C1843140, MONDO:0011904, OMIM 607745.

Submission:

Labcorp Genetics (formerly Invitae), Labcorp
Classification: Pathogenic for Seizures, benign familial infantile, 3; Developmental and epileptic encephalopathy, 11. Last evaluated: 2023-10-22. Review status: criteria provided, single submitter. Criteria: Invitae Variant Classification Sherloc (09022015). Collection method: clinical testing. Allele origin: germline.
Comment: This sequence change replaces isoleucine, which is neutral and non-polar, with threonine, which is neutral and polar, at codon 1673 of the SCN2A protein (p.Ile1673Thr). This variant is not present in population databases (gnomAD no frequency). This missense change has been observed in individual(s) with developmental and epileptic encephalopathy (PMID: 35701389). In at least one individual the variant was observed to be de novo. ClinVar contains an entry for this variant (Variation ID: 2098181). Advanced modeling of protein sequence and biophysical properties (such as structural, functional, and spatial information, amino acid conservation, physicochemical variation, residue mobility, and thermodynamic stability) performed at Invitae indicates that this missense variant is expected to disrupt SCN2A protein function. For these reasons, this variant has been classified as Pathogenic.

Literature cited by the submitters: PubMed 35701389.